The following is an entry in ClinVar:

NM_004484.4(GPC3):c.1468G>A (p.Glu490Lys)

Gene: GPC3 (glypican 3; minus strand). Cytogenetic location: Xq26.2.
Variant type: single nucleotide variant.
Coding change: c.1468G>A on transcript NM_004484.4 (MANE Select); coding-DNA position 1468, G replaced by A.
Protein change: p.Glu490Lys; replaces glutamic acid 490 with lysine.
Molecular consequence: missense variant.
Genome position (GRCh38, 1-based): chrX:133,596,545, C>T on the plus strand (G>A on the coding strand, the complement: GPC3 is on the minus strand). VCF-style: chrX-133596545-C-T. GRCh37 (hg19) VCF-style: chrX-132730573-C-T.
Other names: c.1537G>A, p.Glu513Lys (NM_001164617.2); c.1420G>A, p.Glu474Lys (NM_001164618.2); c.1306G>A, p.Glu436Lys (NM_001164619.2); short protein forms E513K, E436K, E474K, E490K.
Identifiers: ClinVar variation 2045329 (VCV002045329.4), dbSNP rs2520747722, ClinGen allele CA414701394.

ClinVar aggregate classification (germline): Uncertain significance (1 of 4 stars; one submission).

Conditions:
Wilms tumor 1 (WT1). Also called: Wilms tumor, somatic. Identifiers: Orphanet 654, MedGen CN033288, MONDO:0008679, OMIM 194070.

Allele frequency attached by ClinVar (database versions not stated): gnomAD exomes below 0.00001.
gnomAD v4.1: 1 of 1,210,071 alleles (0.000083%); highest among the groups gnomAD compares: Non-Finnish European, 0.00011%; no homozygotes.

Submission:

Labcorp Genetics (formerly Invitae), Labcorp
Classification: Uncertain significance for Wilms tumor 1. Last evaluated: 2022-02-21. Review status: criteria provided, single submitter. Criteria: Invitae Variant Classification Sherloc (09022015). Collection method: clinical testing. Allele origin: germline.
Comment: In summary, the available evidence is currently insufficient to determine the role of this variant in disease. Therefore, it has been classified as a Variant of Uncertain Significance. Algorithms developed to predict the effect of missense changes on protein structure and function are either unavailable or do not agree on the potential impact of this missense change (SIFT: "Tolerated"; PolyPhen-2: "Probably Damaging"; Align-GVGD: "Class C0"). This variant has not been reported in the literature in individuals affected with GPC3-related conditions. This variant is not present in population databases (gnomAD no frequency). This sequence change replaces glutamic acid, which is acidic and polar, with lysine, which is basic and polar, at codon 490 of the GPC3 protein (p.Glu490Lys).